The following is an entry in ClinVar:

ClinVar aggregate classification (germline): Uncertain significance. Review status: criteria provided, single submitter (1 of 4 stars). 2 submissions from 2 submitters: Uncertain significance (1). 1 of the submissions does not count toward it. Last evaluated 2018-01-12.

Conditions:
KRT2-related disorder. Also called: KRT2-related condition.
Ichthyosis bullosa of Siemens (IBS). Also called: Superficial epidermolytic ichthyosis. Identifiers: Orphanet 455, MedGen C0432306, MONDO:0007813, OMIM 146800.

Allele frequency attached by ClinVar (database versions not stated): TOPMed 0.00001; ExAC 0.00002; gnomAD exomes 0.00002; gnomAD 0.00003.
gnomAD v4.1: 35 of 1,606,274 alleles (0.0022%); highest among the groups gnomAD compares: African/African-American, 0.008%; no homozygotes.

Submissions (2):

Illumina Laboratory Services, Illumina
Classification: Uncertain significance for Ichthyosis bullosa of Siemens. Last evaluated: 2018-01-12. Review status: criteria provided, single submitter. Criteria: ICSL Variant Classification Criteria 13 December 2019. Collection method: clinical testing. Allele origin: germline.

PreventionGenetics, part of Exact Sciences
Classification: Likely benign for KRT2-related condition. Last evaluated: 2019-03-18. Review status: no assertion criteria provided. Collection method: clinical testing. Allele origin: germline. Not counted in ClinVar's aggregate classification.
Comment: This variant is classified as likely benign based on ACMG/AMP sequence variant interpretation guidelines (Richards et al. 2015 PMID: 25741868, with internal and published modifications).

NM_000423.3(KRT2):c.864C>T (p.Asp288=)

Gene: KRT2 (keratin 2; minus strand). Cytogenetic location: 12q13.13.
Variant type: single nucleotide variant.
Coding change: c.864C>T on transcript NM_000423.3 (MANE Select); coding-DNA position 864, C replaced by T.
Protein change: p.Asp288=; no amino-acid change (aspartic acid 288 retained).
Molecular consequence: synonymous variant.
Genome position (GRCh38, 1-based): chr12:52,649,100, G>A on the plus strand (C>T on the coding strand, the complement: KRT2 is on the minus strand). VCF-style: chr12-52649100-G-A. GRCh37 (hg19) VCF-style: chr12-53042884-G-A.
Identifiers: ClinVar variation 309612 (VCV000309612.7), dbSNP rs765620105, ClinGen allele CA6585680.
Genomic context (GRCh38, chr12:52,649,100, plus strand): 5'-CTGGTTCAGCAGGTCCACCTTGGACTGCAACTCCACCTTTATCATGTAGGCATTGTCCAC[G>A]TCCTGCAAGAAAGGTTGAGGCCTCTGGTGTATGGTTCCCTGTACAGGCCTCTTCCTCTCT-3'
Protein context (NP_000414.2, residues 278-298): AENDFVTLKK[Asp288=]VDNAYMIKVE